The following is an entry in ClinVar:

ClinVar aggregate classification (germline): Uncertain significance (1 of 4 stars; one submission).

Submission:

Ambry Genetics
Classification: Uncertain significance. Last evaluated: 2024-08-17. Review status: criteria provided, single submitter. Criteria: Ambry Variant Classification Scheme 2023. Collection method: clinical testing. Allele origin: germline.
Comment: The p.T1127I variant (also known as c.3380C>T), located in coding exon 16 of the POLQ gene, results from a C to T substitution at nucleotide position 3380. The threonine at codon 1127 is replaced by isoleucine, an amino acid with similar properties. This amino acid position is conserved. In addition, this alteration is predicted to be tolerated by in silico analysis. Based on the available evidence, the clinical significance of this variant remains unclear.

NM_199420.4(POLQ):c.3380C>T (p.Thr1127Ile)

Gene: POLQ (DNA polymerase theta; minus strand). Cytogenetic location: 3q13.33.
Variant type: single nucleotide variant.
Coding change: c.3380C>T on transcript NM_199420.4 (MANE Select); coding-DNA position 3380, C replaced by T.
Protein change: p.Thr1127Ile; replaces threonine 1127 with isoleucine.
Molecular consequence: missense variant.
Genome position (GRCh38, 1-based): chr3:121,489,551, G>A on the plus strand (C>T on the coding strand, the complement: POLQ is on the minus strand). VCF-style: chr3-121489551-G-A. GRCh37 (hg19) VCF-style: chr3-121208398-G-A.
Other names: short protein forms T1127I.
Identifiers: ClinVar variation 3422374 (VCV003422374.1).